The following is an entry in ClinVar:

ClinVar aggregate classification (germline): Uncertain significance. Review status: criteria provided, single submitter (1 of 4 stars). 2 submissions from 2 submitters: Uncertain significance (1). 1 of the submissions does not count toward it. Last evaluated 2026-04-14.

Conditions:
ABCB11-related disorder. Also called: ABCB11-related condition.
Familial intrahepatic cholestasis. Identifiers: Orphanet 284385, MedGen CN296401, MONDO:0017290.

gnomAD v4.1: 18 of 1,610,178 alleles (0.0011%); highest among the groups gnomAD compares: Admixed American, 0.005%; no homozygotes.

Submissions (2):

Genomenon, Inc
Classification: Uncertain significance for Familial intrahepatic cholestasis. Last evaluated: 2026-04-14. Review status: criteria provided, single submitter. Criteria: Genomenon Sequence Variant Interpretation Standards - Updated. Collection method: curation. Allele origin: germline. Affected: yes.
Comment: ABCB11 p.Ala1110Val (c.3329C>T) is a missense variant that changes the amino acid at residue 1110 from Alanine to Valine. This variant has been observed in at least one proband with an ABCB11-related disorder (PMID:35626323). It is absent or not present at a significant frequency in gnomAD. In silico models predict that this variant is possibly or probably damaging. In conclusion, we classify ABCB11 p.Ala1110Val (c.3329C>T) as a variant of uncertain significance.

PreventionGenetics, part of Exact Sciences
Classification: Uncertain significance for ABCB11-related condition. Last evaluated: 2024-05-28. Review status: no assertion criteria provided. Collection method: clinical testing. Allele origin: germline. Not counted in ClinVar's aggregate classification.
Comment: The ABCB11 c.3329C>T variant is predicted to result in the amino acid substitution p.Ala1110Val. To our knowledge, this variant has not been reported in the literature. This variant is reported in 0.011% of alleles in individuals of Latino descent in gnomAD. At this time, the clinical significance of this variant is uncertain due to the absence of conclusive functional and genetic evidence.

Literature cited by the submitters: PubMed 35626323 (cited by Genomenon, Inc).

NM_003742.4(ABCB11):c.3329C>T (p.Ala1110Val)

Gene: ABCB11 (ATP binding cassette subfamily B member 11; minus strand). Cytogenetic location: 2q31.1.
Variant type: single nucleotide variant.
Coding change: c.3329C>T on transcript NM_003742.4 (MANE Select); coding-DNA position 3329, C replaced by T.
Protein change: p.Ala1110Val; replaces alanine 1110 with valine.
Molecular consequence: missense variant.
Genome position (GRCh38, 1-based): chr2:168,930,747, G>A on the plus strand (C>T on the coding strand, the complement: ABCB11 is on the minus strand). VCF-style: chr2-168930747-G-A. GRCh37 (hg19) VCF-style: chr2-169787257-G-A.
Other names: short protein forms A1110V.
Identifiers: ClinVar variation 3357959 (VCV003357959.2).